The following is an entry in ClinVar:

ClinVar aggregate classification (germline): Uncertain significance (1 of 4 stars; one submission).

Conditions:
Immunodeficiency 14 (IMD14A). Also called: ACTIVATED PI3K-DELTA SYNDROME 1; Activated PI3K Delta Syndrome Type 1 (APDS1); p110-DELTA-ACTIVATING MUTATION CAUSING SENESCENT T CELLS, LYMPHADENOPATHY, AND IMMUNODEFICIENCY; IMMUNODEFICIENCY 14A WITH LYMPHOPROLIFERATION, AUTOSOMAL DOMINANT. Identifiers: Orphanet 397596, Orphanet 693661, MedGen C5907821, MONDO:0014222, OMIM 615513.

Submission:

Labcorp Genetics (formerly Invitae), Labcorp
Classification: Uncertain significance for Activated PI3K-delta syndrome. Last evaluated: 2021-05-10. Review status: criteria provided, single submitter. Criteria: Invitae Variant Classification Sherloc (09022015). Collection method: clinical testing. Allele origin: germline.
Comment: Nucleotide substitutions within the consensus splice site are a relatively common cause of aberrant splicing (PMID: 17576681, 9536098). Algorithms developed to predict the effect of sequence changes on RNA splicing suggest that this variant is not likely to affect RNA splicing, but this prediction has not been confirmed by published transcriptional studies. This sequence change falls in intron 5 of the PIK3CD gene. It does not directly change the encoded amino acid sequence of the PIK3CD protein. It affects a nucleotide within the consensus splice site of the intron. This variant is not present in population databases (ExAC no frequency). This variant has not been reported in the literature in individuals with PIK3CD-related conditions. In summary, the available evidence is currently insufficient to determine the role of this variant in disease. Therefore, it has been classified as a Variant of Uncertain Significance.

Literature cited by the submitters: PubMed 17576681; PubMed 9536098.

NM_005026.5(PIK3CD):c.601-3C>T

Gene: PIK3CD (phosphatidylinositol-4,5-bisphosphate 3-kinase catalytic subunit delta; plus strand). Cytogenetic location: 1p36.22.
Variant type: single nucleotide variant.
Coding change: c.601-3C>T on transcript NM_005026.5 (MANE Select); 3 bases into the intron before coding-DNA position 601, C replaced by T.
Molecular consequence: intron variant.
Genome position (GRCh38, 1-based): chr1:9,716,437, C>T. VCF-style: chr1-9716437-C-T. GRCh37 (hg19) VCF-style: chr1-9776495-C-T.
Other names: c.601-3C>T (NM_001350234.2, NM_001350235.1).
Identifiers: ClinVar variation 1345191 (VCV001345191.6), dbSNP rs2100855814, ClinGen allele CA2503520629.